The following is an entry in ClinVar:

ClinVar aggregate classification (germline): Uncertain significance (1 of 4 stars; one submission).

Allele frequency attached by ClinVar (database versions not stated): ExAC 0.00002; gnomAD 0.00011; 1000 Genomes Project 30x 0.00031; 1000 Genomes Project 0.00040.
gnomAD v4.1: 25 of 1,613,854 alleles (0.0015%); highest among the groups gnomAD compares: African/African-American, 0.027%; no homozygotes.

Submission:

Greenwood Genetic Center Diagnostic Laboratories, Greenwood Genetic Center
Classification: Uncertain significance. Last evaluated: 2022-04-08. Review status: criteria provided, single submitter. Criteria: ACMG Guidelines, 2015. Collection method: clinical testing. Allele origin: germline. Affected: yes.
Comment: PM2

NM_000124.4(ERCC6):c.1669C>T (p.Arg557Cys)

Gene: ERCC6 (ERCC excision repair 6, chromatin remodeling factor; minus strand). Cytogenetic location: 10q11.23.
Variant type: single nucleotide variant.
Coding change: c.1669C>T on transcript NM_000124.4 (MANE Select); coding-DNA position 1669, C replaced by T.
Protein change: p.Arg557Cys; replaces arginine 557 with cysteine.
Molecular consequence: missense variant.
Genome position (GRCh38, 1-based): chr10:49,500,554, G>A on the plus strand (C>T on the coding strand, the complement: ERCC6 is on the minus strand). VCF-style: chr10-49500554-G-A. GRCh37 (hg19) VCF-style: chr10-50708600-G-A.
Other names: c.1669C>T, p.Arg557Cys (NM_001346440.2); short protein forms R557C.
Identifiers: ClinVar variation 1703083 (VCV001703083.3), dbSNP rs115582915, ClinGen allele CA5495912.